The following is an entry in ClinVar:

NM_020340.5(ARFGEF3):c.6003G>A (p.Arg2001=)

Gene: ARFGEF3 (ARFGEF family member 3; plus strand). Cytogenetic location: 6q24.1.
Variant type: single nucleotide variant.
Coding change: c.6003G>A on transcript NM_020340.5 (MANE Select); coding-DNA position 6003, G replaced by A.
Protein change: p.Arg2001=; no amino-acid change (arginine 2001 retained).
Molecular consequence: synonymous variant.
Genome position (GRCh38, 1-based): chr6:138,334,849, G>A. VCF-style: chr6-138334849-G-A. GRCh37 (hg19) VCF-style: chr6-138655986-G-A.
Identifiers: ClinVar variation 3043464 (VCV003043464.2), dbSNP rs35242681, ClinGen allele CA4021716.

ClinVar aggregate classification (germline): Likely benign (0 of 4 stars; one submission).

Conditions:
ARFGEF3-related disorder. Also called: ARFGEF3-related condition.

Allele frequency attached by ClinVar (database versions not stated): gnomAD exomes 0.00015; ExAC 0.00069; ESP Exome Variant Server 0.00138; 1000 Genomes Project 0.00220; 1000 Genomes Project 30x 0.00234.
gnomAD v4.1: 462 of 1,596,756 alleles (0.029%); highest among the groups gnomAD compares: African/African-American, 0.57%; 3 homozygotes.

Submission:

PreventionGenetics, part of Exact Sciences
Classification: Likely benign for ARFGEF3-related condition. Last evaluated: 2019-03-21. Review status: no assertion criteria provided. Collection method: clinical testing. Allele origin: germline.
Comment: This variant is classified as likely benign based on ACMG/AMP sequence variant interpretation guidelines (Richards et al. 2015 PMID: 25741868, with internal and published modifications).